The following is an entry in ClinVar:

NM_004006.3(DMD):c.6613_6614del (p.Arg2205fs)

Gene: DMD (dystrophin; minus strand). Cytogenetic location: Xp21.1.
Variant type: Microsatellite.
Coding change: c.6613_6614del on transcript NM_004006.3 (MANE Select); coding-DNA positions 6613 to 6614, 2 bases deleted (AG; older notation c.6613_6614delAG).
Protein change: p.Arg2205fs; shifts the reading frame from arginine 2205.
Molecular consequence: frameshift variant. On other transcripts: 5 prime UTR variant (5).
Genome position (GRCh38, 1-based): chrX:31,968,339-31,968,340, CT deleted on the plus strand (AG on the coding strand, the reverse complement: DMD is on the minus strand); deleting any 2 consecutive bases within chrX:31,968,339-31,968,342 gives the same sequence; the c. name uses the placement nearest the transcript's 3' end. VCF-style (leftmost placement, unchanged base first): chrX-31968338-CCT-C. GRCh37 (hg19) VCF-style: chrX-31986455-CCT-C.
Other names: c.6589_6590del, p.Arg2197fs (NM_000109.4); c.6611_6612AG[1], p.Arg2205Alafs (NM_004006.2); c.6601_6602del, p.Arg2201fs (NM_004009.3); c.6244_6245del, p.Arg2082fs (NM_004010.3); c.2590_2591del, p.Arg864fs (NM_004011.4); c.2581_2582del, p.Arg861fs (NM_004012.4); c.-770AG[1] (NM_004013.3, NM_004020.4, NM_004021.3 and 2 more transcripts); c.6613_6614del (NM_004006.2); short protein forms R861fs, R2197fs, R2201fs, R2205fs, R2082fs, R864fs.
Identifiers: ClinVar variation 1966748 (VCV001966748.6), dbSNP rs2534072629, ClinGen allele CA2580616929.

ClinVar aggregate classification (germline): Pathogenic/Likely pathogenic. Review status: criteria provided, multiple submitters, no conflicts (2 of 4 stars). 4 submissions from 2 submitters: Pathogenic (1); Likely pathogenic (3). Last evaluated 2022-10-17.

Conditions:
Becker muscular dystrophy (BMD). Also called: MUSCULAR DYSTROPHY, PSEUDOHYPERTROPHIC PROGRESSIVE, BECKER TYPE; Becker Muscular Dystrophy (BMD). Identifiers: Orphanet 98895, MedGen C0917713, MONDO:0010311, OMIM 300376.
Duchenne muscular dystrophy (DMD). Also called: MUSCULAR DYSTROPHY, PSEUDOHYPERTROPHIC PROGRESSIVE, DUCHENNE TYPE; Duchenne Muscular Dystrophy (DMD). Identifiers: Orphanet 98896, MedGen C0013264, MONDO:0010679, OMIM 310200.
Dilated cardiomyopathy 3B (CMD3B). Also called: CMD3B: DMD-Related Dilated Cardiomyopathy; CARDIOMYOPATHY, DILATED, X-LINKED; DMD-Associated Dilated Cardiomyopathy. Identifiers: Orphanet 154, MedGen C3668940, MONDO:0010542, OMIM 302045.

Submissions (4):

Labcorp Genetics (formerly Invitae), Labcorp
Classification: Pathogenic for Duchenne muscular dystrophy. Last evaluated: 2022-10-17. Review status: criteria provided, single submitter. Criteria: Invitae Variant Classification Sherloc (09022015). Collection method: clinical testing. Allele origin: germline.
Comment: Algorithms developed to predict the effect of sequence changes on RNA splicing suggest that this variant may disrupt the consensus splice site. For these reasons, this variant has been classified as Pathogenic. This variant has not been reported in the literature in individuals affected with DMD-related conditions. This variant is not present in population databases (gnomAD no frequency). This sequence change creates a premature translational stop signal (p.Arg2205Alafs*17) in the DMD gene. It is expected to result in an absent or disrupted protein product. Loss-of-function variants in DMD are known to be pathogenic (PMID: 16770791, 25007885).

Baylor Genetics
Classification: Likely pathogenic for Becker muscular dystrophy. Last evaluated: 2022-10-12. Review status: criteria provided, single submitter. Criteria: ACMG Guidelines, 2015. Collection method: clinical testing. Allele origin: unknown.

Baylor Genetics
Classification: Likely pathogenic for Dilated cardiomyopathy 3B. Last evaluated: 2022-10-12. Review status: criteria provided, single submitter. Criteria: ACMG Guidelines, 2015. Collection method: clinical testing. Allele origin: unknown.

Baylor Genetics
Classification: Likely pathogenic for Duchenne muscular dystrophy. Last evaluated: 2022-10-12. Review status: criteria provided, single submitter. Criteria: ACMG Guidelines, 2015. Collection method: clinical testing. Allele origin: unknown.

Literature cited by the submitters: PubMed 16770791 (cited by Labcorp Genetics (formerly Invitae), Labcorp); PubMed 25007885 (cited by Labcorp Genetics (formerly Invitae), Labcorp).